The following is an entry in ClinVar:

NM_017654.4(SAMD9):c.779T>C (p.Leu260Pro)

Gene: SAMD9 (sterile alpha motif domain containing 9; minus strand). Cytogenetic location: 7q21.2.
Variant type: single nucleotide variant.
Coding change: c.779T>C on transcript NM_017654.4 (MANE Select); coding-DNA position 779, T replaced by C.
Protein change: p.Leu260Pro; replaces leucine 260 with proline.
Molecular consequence: missense variant.
Genome position (GRCh38, 1-based): chr7:93,105,319, A>G on the plus strand (T>C on the coding strand, the complement: SAMD9 is on the minus strand). VCF-style: chr7-93105319-A-G. GRCh37 (hg19) VCF-style: chr7-92734632-A-G.
Other names: c.779T>C, p.Leu260Pro (NM_001193307.2); c.779T>C (NM_017654.3); short protein forms L260P.
Identifiers: ClinVar variation 2981491 (VCV002981491.4), dbSNP rs767106665, ClinGen allele CA4343076.

ClinVar aggregate classification (germline): Uncertain significance. Review status: criteria provided, multiple submitters, no conflicts (2 of 4 stars). 2 submissions from 2 submitters: Uncertain significance (2). Last evaluated 2025-10-10.

Conditions:
Inborn genetic diseases. Identifiers: MedGen C0950123, MeSH D030342.

Allele frequency attached by ClinVar (database versions not stated): ExAC 0.00001.
gnomAD v4.1: 2 of 1,613,948 alleles (0.00012%); highest among the groups gnomAD compares: Admixed American, 0.0017%; no homozygotes.

Submissions (2):

Ambry Genetics
Classification: Uncertain significance for Inborn genetic diseases. Last evaluated: 2025-10-10. Review status: criteria provided, single submitter. Criteria: Ambry Variant Classification Scheme 2023. Collection method: clinical testing. Allele origin: germline.
Comment: The p.L260P variant (also known as c.779T>C), located in coding exon 1 of the SAMD9 gene, results from a T to C substitution at nucleotide position 779. The leucine at codon 260 is replaced by proline, an amino acid with similar properties. This amino acid position is conserved. In addition, the in silico prediction for this alteration is inconclusive. Based on the available evidence, the clinical significance of this variant remains unclear.

Labcorp Genetics (formerly Invitae), Labcorp
Classification: Uncertain significance. Last evaluated: 2023-06-24. Review status: criteria provided, single submitter. Criteria: Invitae Variant Classification Sherloc (09022015). Collection method: clinical testing. Allele origin: germline.
Comment: In summary, the available evidence is currently insufficient to determine the role of this variant in disease. Therefore, it has been classified as a Variant of Uncertain Significance. Advanced modeling of protein sequence and biophysical properties (such as structural, functional, and spatial information, amino acid conservation, physicochemical variation, residue mobility, and thermodynamic stability) performed at Invitae indicates that this missense variant is not expected to disrupt SAMD9 protein function. This variant has not been reported in the literature in individuals affected with SAMD9-related conditions. This variant is present in population databases (rs767106665, gnomAD 0.0009%). This sequence change replaces leucine, which is neutral and non-polar, with proline, which is neutral and non-polar, at codon 260 of the SAMD9 protein (p.Leu260Pro).